The following is an entry in ClinVar:

ClinVar aggregate classification (germline): Uncertain significance (1 of 4 stars; one submission).

Conditions:
Neurodevelopmental disorder with or without hyperkinetic movements and seizures, autosomal dominant. Also called: Intellectual disability, autosomal dominant 8. Identifiers: MedGen C3280282, MONDO:0013655, OMIM 614254.

Submission:

Labcorp Genetics (formerly Invitae), Labcorp
Classification: Uncertain significance for Neurodevelopmental disorder with or without hyperkinetic movements and seizures, autosomal dominant. Last evaluated: 2020-04-14. Review status: criteria provided, single submitter. Criteria: Invitae Variant Classification Sherloc (09022015). Collection method: clinical testing. Allele origin: germline.
Comment: In summary, the available evidence is currently insufficient to determine the role of this variant in disease. Therefore, it has been classified as a Variant of Uncertain Significance. Algorithms developed to predict the effect of missense changes on protein structure and function are either unavailable or do not agree on the potential impact of this missense change (SIFT: "Deleterious"; PolyPhen-2: "Possibly Damaging"; Align-GVGD: "Class C15"). This variant has not been reported in the literature in individuals with GRIN1-related disease. This variant is not present in population databases (ExAC no frequency). This sequence change replaces aspartic acid with tyrosine at codon 303 of the GRIN1 protein (p.Asp303Tyr). The aspartic acid residue is moderately conserved and there is a large physicochemical difference between aspartic acid and tyrosine.

NM_007327.4(GRIN1):c.907G>T (p.Asp303Tyr)

Gene: GRIN1 (glutamate ionotropic receptor NMDA type subunit 1; plus strand). Cytogenetic location: 9q34.3.
Variant type: single nucleotide variant.
Coding change: c.907G>T on transcript NM_007327.4 (MANE Select); coding-DNA position 907, G replaced by T.
Protein change: p.Asp303Tyr; replaces aspartic acid 303 with tyrosine.
Molecular consequence: missense variant.
Genome position (GRCh38, 1-based): chr9:137,156,976, G>T. VCF-style: chr9-137156976-G-T. GRCh37 (hg19) VCF-style: chr9-140051428-G-T.
Other names: c.907G>T, p.Asp303Tyr (NM_000832.7, NM_021569.4); c.970G>T, p.Asp324Tyr (NM_001185090.2, NM_001185091.2); short protein forms D324Y, D303Y.
Identifiers: ClinVar variation 663888 (VCV000663888.9), dbSNP rs200758208, ClinGen allele CA375715139.